The following is an entry in ClinVar:

ClinVar aggregate classification (germline): Uncertain significance (1 of 4 stars; one submission).

Conditions:
Cardiovascular phenotype. Identifiers: MedGen CN230736.

Submission:

Ambry Genetics
Classification: Uncertain significance for Cardiovascular phenotype. Last evaluated: 2024-09-11. Review status: criteria provided, single submitter. Criteria: Ambry Variant Classification Scheme 2023. Collection method: clinical testing. Allele origin: germline.
Comment: The p.P423S variant (also known as c.1267C>T), located in coding exon 1 of the ZNF469 gene, results from a C to T substitution at nucleotide position 1267. The proline at codon 423 is replaced by serine, an amino acid with similar properties. This amino acid position is conserved. In addition, this alteration is predicted to be tolerated by in silico analysis. Based on the available evidence, the clinical significance of this variant remains unclear.

NM_001367624.2(ZNF469):c.1267C>T (p.Pro423Ser)

Gene: ZNF469 (zinc finger protein 469; plus strand). Cytogenetic location: 16q24.2.
Variant type: single nucleotide variant.
Coding change: c.1267C>T on transcript NM_001367624.2 (MANE Select); coding-DNA position 1267, C replaced by T.
Protein change: p.Pro423Ser; replaces proline 423 with serine.
Molecular consequence: missense variant.
Genome position (GRCh38, 1-based): chr16:88,428,737, C>T. VCF-style: chr16-88428737-C-T. GRCh37 (hg19) VCF-style: chr16-88495145-C-T.
Other names: NM_001127464.1:c.1267C>T; short protein forms P423S.
Identifiers: ClinVar variation 3476206 (VCV003476206.1).